The following is an entry in ClinVar:

NM_006393.3(NEBL):c.250A>T (p.Ile84Phe)

Gene: NEBL (nebulette; minus strand). Cytogenetic location: 10p12.31.
Variant type: single nucleotide variant.
Coding change: c.250A>T on transcript NM_006393.3 (MANE Select); coding-DNA position 250, A replaced by T.
Protein change: p.Ile84Phe; replaces isoleucine 84 with phenylalanine.
Molecular consequence: missense variant. On other transcripts: intron variant (9).
Genome position (GRCh38, 1-based): chr10:20,889,853, T>A on the plus strand (A>T on the coding strand, the complement: NEBL is on the minus strand). VCF-style: chr10-20889853-T-A. GRCh37 (hg19) VCF-style: chr10-21178782-T-A.
Other names: c.249+71819A>T (NM_001377326.1, NM_001377327.1, NM_001377328.1); c.357+71819A>T (NM_213569.2, NM_001173484.2, NM_001377322.1); c.300+71819A>T (NM_001377324.1); c.291+71819A>T (NM_001377325.1); c.309+71819A>T (NM_001377323.1); short protein forms I84F.
Identifiers: ClinVar variation 2563749 (VCV002563749.5), dbSNP rs759094054, ClinGen allele CA5433324.

ClinVar aggregate classification (germline): Uncertain significance. Review status: criteria provided, multiple submitters, no conflicts (2 of 4 stars). 2 submissions from 2 submitters: Uncertain significance (2). Last evaluated 2025-01-05.

Conditions:
Primary dilated cardiomyopathy (DCM). Also called: Dilated Cardiomyopathy. Identifiers: Orphanet 217604, MedGen C0007193, MeSH D002311, MONDO:0005021, HP:0001644. Inheritance: Various modes of inheritance.

Allele frequency attached by ClinVar (database versions not stated): ExAC 0.00001; TOPMed 0.00002; gnomAD 0.00003.
gnomAD v4.1: 6 of 1,605,516 alleles (0.00037%); highest among the groups gnomAD compares: African/African-American, 0.0067%; no homozygotes.

Submissions (2):

Labcorp Genetics (formerly Invitae), Labcorp
Classification: Uncertain significance for Primary dilated cardiomyopathy. Last evaluated: 2025-01-05. Review status: criteria provided, single submitter. Criteria: Invitae Variant Classification Sherloc (09022015). Collection method: clinical testing. Allele origin: germline.
Comment: This sequence change replaces isoleucine, which is neutral and non-polar, with phenylalanine, which is neutral and non-polar, at codon 84 of the NEBL protein (p.Ile84Phe). This variant is present in population databases (rs759094054, gnomAD 0.007%). This variant has not been reported in the literature in individuals affected with NEBL-related conditions. ClinVar contains an entry for this variant (Variation ID: 2563749). An algorithm developed to predict the effect of missense changes on protein structure and function (PolyPhen-2) suggests that this variant is likely to be disruptive. In summary, the available evidence is currently insufficient to determine the role of this variant in disease. Therefore, it has been classified as a Variant of Uncertain Significance.

Ambry Genetics
Classification: Uncertain significance. Last evaluated: 2023-05-15. Review status: criteria provided, single submitter. Criteria: Ambry Variant Classification Scheme 2023. Collection method: clinical testing. Allele origin: germline.
Comment: The p.I84F variant (also known as c.250A>T), located in coding exon 3 of the NEBL gene, results from an A to T substitution at nucleotide position 250. The isoleucine at codon 84 is replaced by phenylalanine, an amino acid with highly similar properties. This amino acid position is conserved. In addition, the in silico prediction for this alteration is inconclusive. Since supporting evidence is limited at this time, the clinical significance of this alteration remains unclear.